The following is an entry in ClinVar:

NM_000038.6(APC):c.1246T>A (p.Tyr416Asn)

Gene: APC (APC regulator of Wnt signaling pathway; plus strand). Cytogenetic location: 5q22.2.
Variant type: single nucleotide variant.
Coding change: c.1246T>A on transcript NM_000038.6 (MANE Select); coding-DNA position 1246, T replaced by A.
Protein change: p.Tyr416Asn; replaces tyrosine 416 with asparagine.
Molecular consequence: missense variant. On other transcripts: non-coding transcript variant (2).
Genome position (GRCh38, 1-based): chr5:112,819,278, T>A. VCF-style: chr5-112819278-T-A. GRCh37 (hg19) VCF-style: chr5-112154975-T-A.
Other names: c.1246T>A, p.Tyr416Asn (NM_001127510.3, NM_001354895.2, NM_001354896.2 and 4 more transcripts); c.1192T>A, p.Tyr398Asn (NM_001127511.3); c.1276T>A, p.Tyr426Asn (NM_001354897.2, NM_001407446.1); c.1171T>A, p.Tyr391Asn (NM_001354898.2, NM_001407451.1); c.1162T>A, p.Tyr388Asn (NM_001354899.2, NM_001407452.1); c.1069T>A, p.Tyr357Asn (NM_001354900.2, NM_001354901.2, NM_001407453.1); c.973T>A, p.Tyr325Asn (NM_001354902.2); c.943T>A, p.Tyr315Asn (NM_001354903.2, NM_001407454.1, NM_001407455.1 and 5 more transcripts); and 5 more; short protein forms Y315N, Y325N, Y416N, Y426N, Y256N, Y287N, Y290N, Y357N.
Identifiers: ClinVar variation 3305232 (VCV003305232.1).

ClinVar aggregate classification (germline): Uncertain significance (1 of 4 stars; one submission).

Conditions:
Hereditary cancer-predisposing syndrome. Also called: Tumor predisposition; Hereditary Cancer Syndrome; Hereditary neoplastic syndrome; Neoplastic Syndromes, Hereditary. Identifiers: Orphanet 140162, MedGen C0027672, MeSH D009386, MONDO:0015356.

Submission:

Ambry Genetics
Classification: Uncertain significance for Hereditary cancer-predisposing syndrome. Last evaluated: 2024-05-08. Review status: criteria provided, single submitter. Criteria: Ambry Variant Classification Scheme 2023. Collection method: clinical testing. Allele origin: germline.
Comment: The p.Y416N variant (also known as c.1246T>A), located in coding exon 9 of the APC gene, results from a T to A substitution at nucleotide position 1246. The tyrosine at codon 416 is replaced by asparagine, an amino acid with dissimilar properties. This amino acid position is conserved. In addition, in silico predictors for this gene do not accurately predict pathogenicity. Based on the available evidence, the clinical significance of this variant remains unclear.